The following is an entry in ClinVar:

NM_005359.6(SMAD4):c.1007G>A (p.Gly336Glu)

Gene: SMAD4 (SMAD family member 4; plus strand). Cytogenetic location: 18q21.2.
Variant type: single nucleotide variant.
Coding change: c.1007G>A on transcript NM_005359.6 (MANE Select); coding-DNA position 1007, G replaced by A.
Protein change: p.Gly336Glu; replaces glycine 336 with glutamic acid.
Molecular consequence: missense variant.
Genome position (GRCh38, 1-based): chr18:51,065,474, G>A. VCF-style: chr18-51065474-G-A. GRCh37 (hg19) VCF-style: chr18-48591844-G-A.
Other names: short protein forms G336E.
Identifiers: ClinVar variation 405487 (VCV000405487.10), dbSNP rs1060500732, ClinGen allele CA16615838.

ClinVar aggregate classification (germline): Uncertain significance (1 of 4 stars; one submission).

Conditions:
Juvenile polyposis syndrome (JPS). Identifiers: Orphanet 2929, MedGen C0345893, MONDO:0017380, OMIM 174900.

Submission:

Labcorp Genetics (formerly Invitae), Labcorp
Classification: Uncertain significance for Juvenile polyposis syndrome. Last evaluated: 2025-03-07. Review status: criteria provided, single submitter. Criteria: Invitae Variant Classification Sherloc (09022015). Collection method: clinical testing. Allele origin: germline.
Comment: This sequence change replaces glycine, which is neutral and non-polar, with glutamic acid, which is acidic and polar, at codon 336 of the SMAD4 protein (p.Gly336Glu). This variant is not present in population databases (gnomAD no frequency). This variant has not been reported in the literature in individuals affected with SMAD4-related conditions. ClinVar contains an entry for this variant (Variation ID: 405487). Invitae Evidence Modeling of protein sequence and biophysical properties (such as structural, functional, and spatial information, amino acid conservation, physicochemical variation, residue mobility, and thermodynamic stability) has been performed for this missense variant. However, the output from this modeling did not meet the statistical confidence thresholds required to predict the impact of this variant on SMAD4 protein function. In summary, the available evidence is currently insufficient to determine the role of this variant in disease. Therefore, it has been classified as a Variant of Uncertain Significance.